The following is an entry in ClinVar:

ClinVar aggregate classification (germline): Uncertain significance. Review status: criteria provided, multiple submitters, no conflicts (2 of 4 stars). 2 submissions from 2 submitters: Uncertain significance (2). Last evaluated 2019-11-10.

Conditions:
Charcot-Marie-Tooth disease type 2E (CMT2E). Also called: CHARCOT-MARIE-TOOTH DISEASE, AXONAL, TYPE 2E; CHARCOT-MARIE-TOOTH NEUROPATHY, TYPE 2E. Identifiers: Orphanet 99939, MedGen C1843225, MONDO:0011894, OMIM 607684.

Allele frequency attached by ClinVar (database versions not stated): gnomAD exomes below 0.00001; gnomAD 0.00001.

Submissions (2):

Labcorp Genetics (formerly Invitae), Labcorp
Classification: Uncertain significance for Charcot-Marie-Tooth disease type 2E. Last evaluated: 2019-11-10. Review status: criteria provided, single submitter. Criteria: Invitae Variant Classification Sherloc (09022015). Collection method: clinical testing. Allele origin: germline.
Comment: In summary, the available evidence is currently insufficient to determine the role of this variant in disease. Therefore, it has been classified as a Variant of Uncertain Significance. Algorithms developed to predict the effect of missense changes on protein structure and function are either unavailable or do not agree on the potential impact of this missense change (SIFT: "Deleterious"; PolyPhen-2: "Not Available"; Align-GVGD: "Class C55"). This variant has not been reported in the literature in individuals with NEFL-related conditions. This variant is not present in population databases (ExAC no frequency). This sequence change replaces alanine with threonine at codon 241 of the NEFL protein (p.Ala241Thr). The alanine residue is highly conserved and there is a small physicochemical difference between alanine and threonine.

GeneDx
Classification: Uncertain significance. Last evaluated: 2019-08-02. Review status: criteria provided, single submitter. Criteria: GeneDx Variant Classification Process June 2021. Collection method: clinical testing. Allele origin: germline. Affected: yes.
Comment: Not observed at a significant frequency in large population cohorts (Lek et al., 2016); In silico analysis, which includes protein predictors and evolutionary conservation, supports that this variant does not alter protein structure/function; Has not been previously published as pathogenic or benign to our knowledge

NM_006158.5(NEFL):c.721G>A (p.Ala241Thr)

Gene: NEFL (neurofilament light chain; minus strand). Cytogenetic location: 8p21.2.
Variant type: single nucleotide variant.
Coding change: c.721G>A on transcript NM_006158.5 (MANE Select); coding-DNA position 721, G replaced by A.
Protein change: p.Ala241Thr; replaces alanine 241 with threonine.
Molecular consequence: missense variant.
Genome position (GRCh38, 1-based): chr8:24,955,795, C>T on the plus strand (G>A on the coding strand, the complement: NEFL is on the minus strand). VCF-style: chr8-24955795-C-T. GRCh37 (hg19) VCF-style: chr8-24813309-C-T.
Other names: short protein forms A241T.
Identifiers: ClinVar variation 969858 (VCV000969858.7), dbSNP rs1415523458, ClinGen allele CA370621777.